The following is an entry in ClinVar:

ClinVar aggregate classification (germline): Pathogenic. Review status: reviewed by expert panel (3 of 4 stars). 3 submissions from 3 submitters: Pathogenic (1). 2 of the submissions do not count toward it. Last evaluated 2017-12-15.

Conditions:
Breast-ovarian cancer, familial, susceptibility to, 1 (BROVCA1). Also called: BRCA1 Hereditary Breast and Ovarian Cancer; OVARIAN CANCER, SUSCEPTIBILITY TO. Identifiers: Orphanet 145, MedGen C2676676, MONDO:0011450, OMIM 604370. Disease mechanism: loss of function.
Hereditary breast ovarian cancer syndrome. Also called: Hereditary breast and ovarian cancer syndrome; Breast and ovarian cancer; Hereditary breast and ovarian cancer syndrome (HBOC); Hereditary breast and/or ovarian cancer syndrome; BRCA1- and BRCA2-Associated Hereditary Breast and Ovarian Cancer; Hereditary breast and ovarian cancer. Identifiers: Orphanet 145, MedGen C0677776, MeSH D061325, MONDO:0003582. Disease mechanism: loss of function.

Submissions (3):

Evidence-based Network for the Interpretation of Germline Mutant Alleles (ENIGMA)
Classification: Pathogenic for Breast-ovarian cancer, familial, susceptibility to, 1. Last evaluated: 2017-12-15. Review status: reviewed by expert panel. Criteria: ENIGMA BRCA1/2 Classification Criteria (2017-06-29). Collection method: curation. Allele origin: germline. Study: ENIGMA.
Comment: Variant allele predicted to encode a truncated non-functional protein.

Quest Diagnostics Nichols Institute San Juan Capistrano
Classification: Pathogenic. Last evaluated: 2023-07-10. Review status: criteria provided, single submitter. Criteria: Quest Diagnostics criteria. Collection method: clinical testing. Allele origin: unknown. Not counted in ClinVar's aggregate classification.
Comment: This variant alters the translational reading frame of the BRCA1 mRNA and causes the premature termination of BRCA1 protein synthesis. In the published literature, this variant has been reported in an individual with breast cancer (PMID: 29928469 (2018)). This variant has not been reported in large, multi-ethnic general populations (Genome Aggregation Database). Based on the available information, this variant is classified as pathogenic.

Labcorp Genetics (formerly Invitae), Labcorp
Classification: Pathogenic for Hereditary breast ovarian cancer syndrome. Last evaluated: 2016-12-13. Review status: criteria provided, single submitter. Criteria: Invitae Variant Classification Sherloc (09022015). Collection method: clinical testing. Allele origin: germline. Not counted in ClinVar's aggregate classification.
Comment: For these reasons, this variant has been classified as Pathogenic. While this particular variant has not been reported in the literature, loss-of-function variants in BRCA1 are known to be pathogenic (PMID: 20104584). This sequence change inserts 2 nucleotides in exon 16 of the BRCA1 mRNA (c.4996_4997dupTA), causing a frameshift at codon 1667. This creates a premature translational stop signal (p.Lys1667Thrfs*11) and is expected to result in an absent or disrupted protein product.

Literature cited by the submitters: PubMed 29928469 (cited by Quest Diagnostics Nichols Institute San Juan Capistrano); PubMed 20104584 (cited by Labcorp Genetics (formerly Invitae), Labcorp).

NM_007294.4(BRCA1):c.4996_4997dup (p.Lys1667fs)

Gene: BRCA1 (BRCA1 DNA repair associated; minus strand). Cytogenetic location: 17q21.31.
Variant type: Duplication.
Coding change: c.4996_4997dup on transcript NM_007294.4 (MANE Select); coding-DNA positions 4996 to 4997, 2 bases duplicated (TA; older notation c.4996_4997dupTA).
Protein change: p.Lys1667fs; shifts the reading frame from lysine 1667.
Molecular consequence: frameshift variant. On other transcripts: non-coding transcript variant (1).
Genome position (GRCh38, 1-based): chr17:43,067,685-43,067,686, TA duplicated on the plus strand (TA on the coding strand, the reverse complement: BRCA1 is on the minus strand). VCF-style (leftmost placement, unchanged base first): chr17-43067684-G-GTA. GRCh37 (hg19) VCF-style: chr17-41219701-G-GTA.
Other names: c.4996_4997dupTA (NM_007294.3); c.4783_4784dup, p.Lys1596Thrfs (NM_001407571.1, NM_001407894.1, NM_001407895.1 and 12 more transcripts); c.5062_5063dup, p.Lys1689Thrfs (NM_001407581.1, NM_001407582.1); c.5059_5060dup, p.Lys1688Thrfs (NM_001407583.1, NM_001407585.1, NM_001407587.1); c.5056_5057dup, p.Lys1687Thrfs (NM_001407590.1, NM_001407591.1); c.4996_4997dup, p.Lys1667Thrfs (NM_001407593.1, NM_001407594.1, NM_001407596.1 and 8 more transcripts); c.4993_4994dup, p.Lys1666Thrfs (NM_001407610.1, NM_001407611.1, NM_001407612.1 and 17 more transcripts); c.4990_4991dup, p.Lys1665Thrfs (NM_001407627.1, NM_001407628.1, NM_001407629.1 and 14 more transcripts); and 74 more; short protein forms K1688fs, K563fs, K1620fs, K1667fs.
Identifiers: ClinVar variation 409305 (VCV000409305.9), dbSNP rs1555579782, ClinGen allele CA16615378.